The following is an entry in ClinVar:

NM_001605.3(AARS1):c.2664G>A (p.Met888Ile)

Gene: AARS1 (alanyl-tRNA synthetase 1; minus strand). Cytogenetic location: 16q22.1.
Variant type: single nucleotide variant.
Coding change: c.2664G>A on transcript NM_001605.3 (MANE Select); coding-DNA position 2664, G replaced by A.
Protein change: p.Met888Ile; replaces methionine 888 with isoleucine.
Molecular consequence: missense variant.
Genome position (GRCh38, 1-based): chr16:70,253,325, C>T on the plus strand (G>A on the coding strand, the complement: AARS1 is on the minus strand). VCF-style: chr16-70253325-C-T. GRCh37 (hg19) VCF-style: chr16-70287228-C-T.
Other names: short protein forms M888I.
Identifiers: ClinVar variation 2413446 (VCV002413446.5), dbSNP rs757039239, ClinGen allele CA396554713.

ClinVar aggregate classification (germline): Uncertain significance (1 of 4 stars; one submission).

Conditions:
Charcot-Marie-Tooth disease type 2. Also called: Charcot-Marie-Tooth type 2. Identifiers: Orphanet 64746, MedGen C0270914, MONDO:0018993.

gnomAD v4.1: 1 of 1,614,212 alleles (0.000062%); highest among the groups gnomAD compares: African/African-American, 0.0013%; no homozygotes.

Submission:

Labcorp Genetics (formerly Invitae), Labcorp
Classification: Uncertain significance for Charcot-Marie-Tooth disease type 2. Last evaluated: 2025-06-17. Review status: criteria provided, single submitter. Criteria: Invitae Variant Classification Sherloc (09022015). Collection method: clinical testing. Allele origin: germline.
Comment: This sequence change replaces methionine, which is neutral and non-polar, with isoleucine, which is neutral and non-polar, at codon 888 of the AARS protein (p.Met888Ile). This variant is not present in population databases (gnomAD no frequency). This variant has not been reported in the literature in individuals affected with AARS-related conditions. ClinVar contains an entry for this variant (Variation ID: 2413446). Invitae Evidence Modeling of protein sequence and biophysical properties (such as structural, functional, and spatial information, amino acid conservation, physicochemical variation, residue mobility, and thermodynamic stability) indicates that this missense variant is not expected to disrupt AARS protein function with a negative predictive value of 95%. In summary, the available evidence is currently insufficient to determine the role of this variant in disease. Therefore, it has been classified as a Variant of Uncertain Significance.